The following is an entry in ClinVar:

NM_025136.4(OPA3):c.30G>T (p.Lys10Asn)

Genes: OPA3 (outer mitochondrial membrane lipid metabolism regulator OPA3; minus strand), OPA3-RTN2 (OPA3-RTN2 readthrough; minus strand), LOC130064709 (ATAC-STARR-seq lymphoblastoid active region 14802; plus strand). Cytogenetic location: 19q13.32.
Variant type: single nucleotide variant.
Coding change: c.30G>T on transcript NM_025136.4 (MANE Select); coding-DNA position 30, G replaced by T.
Protein change: p.Lys10Asn; replaces lysine 10 with asparagine.
Molecular consequence: missense variant.
Genome position (GRCh38, 1-based): chr19:45,584,735, C>A on the plus strand (G>T on the coding strand, the complement: OPA3 is on the minus strand). VCF-style: chr19-45584735-C-A. GRCh37 (hg19) VCF-style: chr19-46087993-C-A.
Other names: c.30G>T, p.Lys10Asn (NM_001017989.3); short protein forms K10N.
Identifiers: ClinVar variation 430549 (VCV000430549.2), dbSNP rs1131692018, ClinGen allele CA406378936.

ClinVar aggregate classification (germline): Uncertain significance (1 of 4 stars; one submission).

Submission:

GeneDx
Classification: Uncertain significance. Last evaluated: 2017-05-31. Review status: criteria provided, single submitter. Criteria: GeneDx Variant Classification (06012015). Collection method: clinical testing. Allele origin: germline. Affected: yes.
Comment: The K10N variant in the OPA3 gene has not been reported previously as a pathogenic variant, nor as a benign variant, to our knowledge. This variant is not observed in large population cohorts (Lek et al., 2016; 1000 Genomes Consortium et al., 2015; Exome Variant Server). The K10N variant is a semi-conservative amino acid substitution, which may impact secondary protein structure as these residues differ in some properties. This substitution occurs at a position that is conserved across species, and in silico analysis predicts this variant is probably damaging to the protein structure/function. Based on currently available evidence, we interpret K10N as a variant of uncertain significance.